The following is an entry in ClinVar:

NM_015178.3(RHOBTB2):c.2140G>A (p.Ala714Thr)

Gene: RHOBTB2 (Rho related BTB domain containing 2; plus strand). Cytogenetic location: 8p21.3.
Variant type: single nucleotide variant.
Coding change: c.2140G>A on transcript NM_015178.3 (MANE Select); coding-DNA position 2140, G replaced by A.
Protein change: p.Ala714Thr; replaces alanine 714 with threonine.
Molecular consequence: missense variant.
Genome position (GRCh38, 1-based): chr8:23,017,425, G>A. VCF-style: chr8-23017425-G-A. GRCh37 (hg19) VCF-style: chr8-22874938-G-A.
Other names: c.2206G>A, p.Ala736Thr (NM_001160036.2); c.2161G>A, p.Ala721Thr (NM_001160037.2); c.2140G>A, p.Ala714Thr (NM_001374791.1); short protein forms A714T, A736T, A721T.
Identifiers: ClinVar variation 2585241 (VCV002585241.1), dbSNP rs2487058324, ClinGen allele CA370577374.

ClinVar aggregate classification (germline): Uncertain significance (1 of 4 stars; one submission).

Conditions:
Developmental and epileptic encephalopathy, 64. Also called: EPILEPTIC ENCEPHALOPATHY, EARLY INFANTILE, 64. Identifiers: MedGen C4693899, MONDO:0033373, OMIM 618004.

Allele frequency attached by ClinVar (database versions not stated): gnomAD exomes below 0.00001.
gnomAD v4.1: 1 of 1,609,842 alleles (0.000062%); highest among the groups gnomAD compares: South Asian, 0.0011%; no homozygotes.

Submission:

Neuberg Centre For Genomic Medicine, NCGM
Classification: Uncertain significance for Developmental and epileptic encephalopathy, 64. Review status: criteria provided, single submitter. Criteria: ACMG Guidelines, 2015. Collection method: clinical testing. Allele origin: germline. Inheritance: Autosomal dominant inheritance. Affected: yes.
Comment: The missense variant c.2206G>A (p.Ala736Thr) in RHOBTB2 gene has not been reported previously as a pathogenic variant nor as a benign variant, to our knowledge. The p.Ala736Thr variant is novel (not in any individuals) in gnomAD Exomes and 1000 Genomes. The amino acid Ala at position 736 is changed to a Thr changing protein sequence and it might alter its composition and physico-chemical properties. In silico tools predict the variant to be tolerated. The residue is conserved across species. The amino acid change p.Ala736Thr in RHOBTB2 is predicted as conserved by GERP++ and PhyloP across 100 vertebrates. For these reasons, this variant has been classified as Variant of Uncertain Significance (VUS).